The following is an entry in ClinVar:

ClinVar aggregate classification (germline): Likely benign. Review status: criteria provided, multiple submitters, no conflicts (2 of 4 stars). 3 submissions from 3 submitters: Likely benign (2). 1 of the submissions does not count toward it. Last evaluated 2025-07-29.

Conditions:
DIS3L2-related disorder. Also called: DIS3L2-related condition.
Perlman syndrome (PRLMNS). Identifiers: Orphanet 2849, MedGen C0796113, MONDO:0009965, OMIM 267000.

Allele frequency attached by ClinVar (database versions not stated): ExAC 0.00002; gnomAD exomes 0.00004 and 0.00016; gnomAD 0.00005; TOPMed 0.00008.
gnomAD v4.1: 239 of 1,605,758 alleles (0.015%); highest among the groups gnomAD compares: Non-Finnish European, 0.02%; no homozygotes.

Submissions (3):

Labcorp Genetics (formerly Invitae), Labcorp
Classification: Likely benign for Perlman syndrome. Last evaluated: 2025-07-29. Review status: criteria provided, single submitter. Criteria: Invitae Variant Classification Sherloc (09022015). Collection method: clinical testing. Allele origin: germline.

Blueprint Genetics
Classification: Likely benign. Last evaluated: 2024-05-02. Review status: criteria provided, single submitter. Criteria: ACMG Guidelines, 2015. Collection method: clinical testing. Allele origin: germline.

PreventionGenetics, part of Exact Sciences
Classification: Likely benign for DIS3L2-related condition. Last evaluated: 2024-08-07. Review status: no assertion criteria provided. Collection method: clinical testing. Allele origin: germline. Not counted in ClinVar's aggregate classification.
Comment: This variant is classified as likely benign based on ACMG/AMP sequence variant interpretation guidelines (Richards et al. 2015 PMID: 25741868, with internal and published modifications).

NM_152383.5(DIS3L2):c.2497-15C>T

Gene: DIS3L2 (DIS3 like 3'-5' exoribonuclease 2; plus strand). Cytogenetic location: 2q37.1.
Variant type: single nucleotide variant.
Coding change: c.2497-15C>T on transcript NM_152383.5 (MANE Select); 15 bases into the intron before coding-DNA position 2497, C replaced by T.
Molecular consequence: intron variant. On other transcripts: non-coding transcript variant (1).
Genome position (GRCh38, 1-based): chr2:232,336,454, C>T. VCF-style: chr2-232336454-C-T. GRCh37 (hg19) VCF-style: chr2-233201164-C-T.
Other names: c.2497-15C>T (NM_152383.4); c.1582-6891C>T (NM_001257281.2).
Identifiers: ClinVar variation 1646908 (VCV001646908.11), dbSNP rs778656004, ClinGen allele CA2164600.